The following is an entry in ClinVar:

ClinVar aggregate classification (germline): Uncertain significance. Review status: criteria provided, multiple submitters, no conflicts (2 of 4 stars). 2 submissions from 2 submitters: Uncertain significance (2). Last evaluated 2025-11-20.

Conditions:
Inborn genetic diseases. Identifiers: MedGen C0950123, MeSH D030342.
LAMA5-related disorder. Also called: LAMA5-related condition; LAMA5-Related Disorders.

Allele frequency attached by ClinVar (database versions not stated): TOPMed 0.00003; gnomAD exomes 0.00001; ExAC 0.00003; gnomAD 0.00003.
gnomAD v4.1: 18 of 1,479,176 alleles (0.0012%); highest among the groups gnomAD compares: Middle Eastern, 0.024%; no homozygotes.

Submissions (2):

Ambry Genetics
Classification: Uncertain significance for Inborn genetic diseases. Last evaluated: 2025-11-20. Review status: criteria provided, single submitter. Criteria: Ambry Variant Classification Scheme 2023. Collection method: clinical testing. Allele origin: germline.

PreventionGenetics, part of Exact Sciences
Classification: Uncertain significance for LAMA5-related condition. Last evaluated: 2023-08-04. Review status: criteria provided, single submitter. Criteria: ACMG Guidelines, 2015. Collection method: clinical testing. Allele origin: germline.
Comment: The LAMA5 c.3248C>T variant is predicted to result in the amino acid substitution p.Ser1083Leu. To our knowledge, this variant has not been reported in the literature. This variant is reported in 0.021% of alleles in individuals of African descent in gnomAD. At this time, the clinical significance of this variant is uncertain due to the absence of conclusive functional and genetic evidence.

NM_005560.6(LAMA5):c.3248C>T (p.Ser1083Leu)

Gene: LAMA5 (laminin subunit alpha 5; minus strand). Cytogenetic location: 20q13.33.
Variant type: single nucleotide variant.
Coding change: c.3248C>T on transcript NM_005560.6 (MANE Select); coding-DNA position 3248, C replaced by T.
Protein change: p.Ser1083Leu; replaces serine 1083 with leucine.
Molecular consequence: missense variant.
Genome position (GRCh38, 1-based): chr20:62,333,124, G>A on the plus strand (C>T on the coding strand, the complement: LAMA5 is on the minus strand). VCF-style: chr20-62333124-G-A. GRCh37 (hg19) VCF-style: chr20-60908180-G-A.
Other names: c.3248C>T (NM_005560.3); short protein forms S1083L.
Identifiers: ClinVar variation 2631399 (VCV002631399.2), dbSNP rs753806998, ClinGen allele CA9943097.